The following is an entry in ClinVar:

ClinVar aggregate classification (germline): Conflicting classifications of pathogenicity. Review status: criteria provided, conflicting classifications (1 of 4 stars). 4 submissions from 4 submitters: Uncertain significance (2); Likely benign (1). 1 of the submissions does not count toward it. Last evaluated 2025-03-03.

Conditions:
TSC1-related disorder. Also called: TSC1-related condition.
Hereditary cancer-predisposing syndrome. Also called: Hereditary neoplastic syndrome; Neoplastic Syndromes, Hereditary; Hereditary Cancer Syndrome; Tumor predisposition. Identifiers: Orphanet 140162, MedGen C0027672, MeSH D009386, MONDO:0015356.
Tuberous sclerosis 1 (TSC1). Identifiers: Orphanet 805, MedGen C1854465, MONDO:0008612, OMIM 191100.

gnomAD v4.1: 9 of 1,603,436 alleles (0.00056%); highest among the groups gnomAD compares: Admixed American, 0.0034%; no homozygotes.

Submissions (4):

Ambry Genetics
Classification: Uncertain significance for Hereditary cancer-predisposing syndrome. Last evaluated: 2025-03-03. Review status: criteria provided, single submitter. Criteria: Ambry Variant Classification Scheme 2023. Collection method: clinical testing. Allele origin: germline.
Comment: The p.P311A variant (also known as c.931C>G), located in coding exon 8 of the TSC1 gene, results from a C to G substitution at nucleotide position 931. The proline at codon 311 is replaced by alanine, an amino acid with highly similar properties. This amino acid position is highly conserved in available vertebrate species. In addition, this alteration is predicted to be deleterious by in silico analysis. Based on the available evidence, the clinical significance of this variant remains unclear.

Labcorp Genetics (formerly Invitae), Labcorp
Classification: Likely benign for Tuberous sclerosis 1. Last evaluated: 2024-07-30. Review status: criteria provided, single submitter. Criteria: Invitae Variant Classification Sherloc (09022015). Collection method: clinical testing. Allele origin: germline.

GeneDx
Classification: Uncertain significance. Last evaluated: 2022-12-19. Review status: criteria provided, single submitter. Criteria: GeneDx Variant Classification Process June 2021. Collection method: clinical testing. Allele origin: germline. Affected: yes.
Comment: In silico analysis supports that this missense variant does not alter protein structure/function; Has not been previously published as pathogenic or benign to our knowledge; This variant is associated with the following publications: (PMID: 18466115)

PreventionGenetics, part of Exact Sciences
Classification: Uncertain significance for TSC1-related condition. Last evaluated: 2024-05-07. Review status: no assertion criteria provided. Collection method: clinical testing. Allele origin: germline. Not counted in ClinVar's aggregate classification.
Comment: The TSC1 c.931C>G variant is predicted to result in the amino acid substitution p.Pro311Ala. To our knowledge, this variant has not been reported in the literature. This variant is reported in 0.0058% of alleles in individuals of Latino descent in gnomAD. This variant is interpreted as a variant of uncertain significance in ClinVar. At this time, the clinical significance of this variant is uncertain due to the absence of conclusive functional and genetic evidence.

NM_000368.5(TSC1):c.931C>G (p.Pro311Ala)

Gene: TSC1 (TSC complex subunit 1; minus strand). Cytogenetic location: 9q34.13.
Variant type: single nucleotide variant.
Coding change: c.931C>G on transcript NM_000368.5 (MANE Select); coding-DNA position 931, C replaced by G.
Protein change: p.Pro311Ala; replaces proline 311 with alanine.
Molecular consequence: missense variant.
Genome position (GRCh38, 1-based): chr9:132,911,551, G>C on the plus strand (C>G on the coding strand, the complement: TSC1 is on the minus strand). VCF-style: chr9-132911551-G-C. GRCh37 (hg19) VCF-style: chr9-135786938-G-C.
Other names: c.931C>G, p.Pro311Ala (NM_001162426.2); c.778C>G, p.Pro260Ala (NM_001162427.2); c.568C>G, p.Pro190Ala (NM_001362177.2); short protein forms P311A, P190A, P260A.
Identifiers: ClinVar variation 574692 (VCV000574692.12), dbSNP rs1332186256, ClinGen allele CA375368729.
Genomic context (GRCh38, chr9:132,911,551, plus strand): 5'-TCAGAGTCTGAGGTAGCTGCCCTGGCATATTTAACAACATCAGCCGAGACGTGGAGTAAG[G>C]GGTAGAAGTAGCACACCCTAAAATGGAAGAGAAGAACACAGGGGGTTAGTGTGTGGTTTT-3'
Protein context (NP_000359.1, residues 301-321): QNSYGCATST[Pro311Ala]YSTSRLMLLN